The following is an entry in ClinVar:

ClinVar aggregate classification (germline): Pathogenic. Review status: reviewed by expert panel (3 of 4 stars). 6 submissions from 6 submitters: Pathogenic (1). 5 of the submissions do not count toward it. Last evaluated 2025-08-14.

Conditions:
Miyoshi muscular dystrophy 1 (MMD1). Identifiers: Orphanet 45448, MedGen C4551973, MONDO:0024545, OMIM 254130.
Autosomal recessive limb-girdle muscular dystrophy type 2B (LGMDR2). Also called: Limb-girdle muscular dystrophy, type 2B; MUSCULAR DYSTROPHY, LIMB-GIRDLE, TYPE 3; Limb-Girdle Muscular Dystrophy Type 2B (LGMD2B); MUSCULAR DYSTROPHY, LIMB-GIRDLE, AUTOSOMAL RECESSIVE 2. Identifiers: Orphanet 268, MedGen C1850889, MONDO:0009676, OMIM 253601.
Distal myopathy with anterior tibial onset. Identifiers: Orphanet 178400, MedGen C1847532, MONDO:0011721, OMIM 606768.
Autosomal recessive limb-girdle muscular dystrophy. Identifiers: Orphanet 102015, MedGen C2931907, MONDO:0015152.

Allele frequency attached by ClinVar (database versions not stated): gnomAD exomes below 0.00001 and 0.00001; gnomAD 0.00001; TOPMed 0.00001.

Submissions (6):

ClinGen Limb Girdle Muscular Dystrophy Variant Curation Expert Panel, ClinGen
Classification: Pathogenic for Autosomal recessive limb-girdle muscular dystrophy. Last evaluated: 2025-08-14. Review status: reviewed by expert panel. Criteria: ClinGen LGMD VCEP ACMG Specifications DYSF V1.0.0. Collection method: curation. Allele origin: germline. Inheritance: Autosomal recessive inheritance.
Comment: The NM_003494.4: c.4872delG p.(Glu1624AspfsTer10) variant in DYSF, which is also known as NM_001130987.2: c.4989del (p.Glu1663AspfsTer10), is a frameshift variant predicted to cause a premature stop codon in biologically relevant exon 45/55, leading to nonsense mediated decay in a gene in which loss of function is an established disease mechanism (PVS1). This variant has been reported in at least 13 unrelated patients with phenotypes consistent with LGMD in a homozygous state in all individuals, with reported consanguinity in at least one family (1.0 pt, PMID: 10825360, 35723113, 17698709) (PM3). Many of these families were Jewish and from Libya. At least one of these individuals displayed muscle weakness and reduced or absent dysferlin protein expression in skeletal muscle, which is highly specific for DYSF-associated LGMD (PMID: 17698709; PP4_Strong). The highest population frequency of this variant in gnomAD v4.1.0 is 0.00001335 in the African/African American population (1/74922 chromosomes), which is less than the ClinGen LGMD VCEP threshold (≤0.0001) (PM2_Supporting). In summary, this variant meets the criteria to be classified as Pathogenic for autosomal recessive limb girdle muscular dystrophy based on the ACMG/AMP criteria applied, as specified by the ClinGen LGMD VCEP (LGMD VCEP specifications version 1.0.0; 08/14/2025): PVS1, PP4_Strong, PM3, PM2_Supporting.

CeGaT Center for Human Genetics Tuebingen
Classification: Pathogenic. Last evaluated: 2026-07-01. Review status: criteria provided, single submitter. Criteria: CeGaT Center For Human Genetics Tuebingen Variant Classification Criteria Version 2. Collection method: clinical testing. Allele origin: germline. Affected: yes. Observed: 1 variant allele. Not counted in ClinVar's aggregate classification.
Comment: DYSF: PVS1, PM2, PM3

Department of Pathology and Laboratory Medicine, Sinai Health System
Classification: Likely pathogenic for Autosomal recessive limb-girdle muscular dystrophy type 2B; Distal myopathy with anterior tibial onset; Miyoshi muscular dystrophy 1. Last evaluated: 2023-03-28. Review status: criteria provided, single submitter. Criteria: ACMG Guidelines, 2015. Collection method: research. Allele origin: germline. Not counted in ClinVar's aggregate classification.

Revvity Omics, Revvity
Classification: Pathogenic. Last evaluated: 2022-08-31. Review status: criteria provided, single submitter. Criteria: ACMG Guidelines, 2015. Collection method: clinical testing. Allele origin: germline. Not counted in ClinVar's aggregate classification.

Fulgent Genetics
Classification: Pathogenic for Autosomal recessive limb-girdle muscular dystrophy type 2B; Miyoshi muscular dystrophy 1; Distal myopathy with anterior tibial onset. Last evaluated: 2022-01-12. Review status: criteria provided, single submitter. Criteria: ACMG Guidelines, 2015. Collection method: clinical testing. Allele origin: unknown. Not counted in ClinVar's aggregate classification.

GeneReviews
No classification provided. Condition: Miyoshi muscular dystrophy 1. Review status: no classification provided. Collection method: literature only. Allele origin: germline. Not counted in ClinVar's aggregate classification.
Comment: Founder variant in Libyan Jewish population

Literature cited by the submitters: PubMed 10825360 (cited by GeneReviews).

NM_001130987.2(DYSF):c.4989del (p.Glu1663fs)

Gene: DYSF (dysferlin; plus strand). Cytogenetic location: 2p13.2.
Variant type: Deletion.
Coding change: c.4989del on transcript NM_001130987.2 (MANE Select); coding-DNA position 4989, one base deleted (G; older notation c.4989delG).
Protein change: p.Glu1663fs; shifts the reading frame from glutamic acid 1663.
Molecular consequence: frameshift variant.
Genome position (GRCh38, 1-based): chr2:71,660,637, G deleted. VCF-style (leftmost placement, unchanged base first): chr2-71660636-AG-A. GRCh37 (hg19) VCF-style: chr2-71887766-AG-A.
Other names: 1624delG; NM_001130987.2(DYSF):c.4989del; p.Glu1663fs; c.4872delG (NM_003494.4); c.4875del, p.Glu1625fs (NM_001130455.2); c.4830del, p.Glu1610fs (NM_001130976.2); c.4893del, p.Glu1631fs (NM_001130977.2); c.4935del, p.Glu1645fs (NM_001130978.2); and 9 more; short protein forms E1610fs, E1611fs, E1624fs, E1625fs, E1631fs, E1632fs, E1641fs, E1642fs.
Identifiers: ClinVar variation 1300185 (VCV001300185.10), dbSNP rs1156805286, ClinGen allele CA533262859.
Genomic context (GRCh38, chr2:71,660,636, plus strand): 5'-AGATCTCCATAGGGAAGAAATCAGTGAGTGACCAGGATAACTACATCCCCTGCACGCTGG[AG>A]CCCGTATTTGGAAAGTAAATTGGGGCATCTTGGGTCTTGGGGTGGAGGAGCCAGACAGGA-3'